The following is an entry in ClinVar:

NM_033453.4(ITPA):c.264-2A>G

Gene: ITPA (inosine triphosphatase; plus strand). Cytogenetic location: 20p13.
Variant type: single nucleotide variant.
Coding change: c.264-2A>G on transcript NM_033453.4 (MANE Select); the canonical splice acceptor site of the intron before coding-DNA position 264, A replaced by G.
Molecular consequence: splice acceptor variant.
Genome position (GRCh38, 1-based): chr20:3,215,279, A>G. VCF-style: chr20-3215279-A-G. GRCh37 (hg19) VCF-style: chr20-3195925-A-G.
Other names: c.-74-2A>G (NM_001324237.2, NM_001324238.2, NM_001324236.2 and 1 more transcripts); c.264-2A>G (NM_001324240.2); c.141-2A>G (NM_001267623.2); c.213-2A>G (NM_181493.4).
Identifiers: ClinVar variation 1471894 (VCV001471894.8), dbSNP rs770956514, ClinGen allele CA9741248.

ClinVar aggregate classification (germline): Pathogenic (1 of 4 stars; one submission).

Conditions:
Inosine triphosphatase deficiency. Also called: INOSINE TRIPHOSPHATE PYROPHOSPHOHYDROLASE DEFICIENCY. Identifiers: MedGen C0342800, MONDO:0013461, OMIM 613850.

Allele frequency attached by ClinVar (database versions not stated): gnomAD exomes below 0.00001 and 0.00002; ExAC 0.00001.
gnomAD v4.1: 20 of 1,613,932 alleles (0.0012%); highest among the groups gnomAD compares: Non-Finnish European, 0.0017%; no homozygotes.

Submission:

Labcorp Genetics (formerly Invitae), Labcorp
Classification: Pathogenic for Inosine triphosphatase deficiency. Last evaluated: 2025-01-15. Review status: criteria provided, single submitter. Criteria: Invitae Variant Classification Sherloc (09022015). Collection method: clinical testing. Allele origin: germline.
Comment: This sequence change affects an acceptor splice site in intron 4 of the ITPA gene. It is expected to disrupt RNA splicing. Variants that disrupt the donor or acceptor splice site typically lead to a loss of protein function (PMID: 16199547), and loss-of-function variants in ITPA are known to be pathogenic (PMID: 26224535). This variant is present in population databases (rs770956514, gnomAD 0.003%). Disruption of this splice site has been observed in individuals with ITPA-related conditions (PMID: 32405030, 34989426). ClinVar contains an entry for this variant (Variation ID: 1471894). Algorithms developed to predict the effect of sequence changes on RNA splicing suggest that this variant may disrupt the consensus splice site. For these reasons, this variant has been classified as Pathogenic.

Literature cited by the submitters: PubMed 16199547; PubMed 26224535; PubMed 32405030; PubMed 34989426.